The following is an entry in ClinVar:

NM_000551.4(VHL):c.24G>C (p.Trp8Cys)

Gene: VHL (von Hippel-Lindau tumor suppressor; plus strand). Cytogenetic location: 3p25.3.
Variant type: single nucleotide variant.
Coding change: c.24G>C on transcript NM_000551.4 (MANE Select); coding-DNA position 24, G replaced by C.
Protein change: p.Trp8Cys; replaces tryptophan 8 with cysteine.
Molecular consequence: missense variant. On other transcripts: non-coding transcript variant (1).
Genome position (GRCh38, 1-based): chr3:10,141,871, G>C. VCF-style: chr3-10141871-G-C. GRCh37 (hg19) VCF-style: chr3-10183555-G-C.
Other names: c.24G>C, p.Trp8Cys (NM_001354723.2, NM_198156.3); short protein forms W8C.
Identifiers: ClinVar variation 4789506 (VCV004789506.1).
Genomic context (GRCh38, chr3:10,141,871, plus strand): 5'-GCGGCGTCCGGCCCGGGTGGTCTGGATCGCGGAGGGAATGCCCCGGAGGGCGGAGAACTG[G>C]GACGAGGCCGAGGTAGGCGCGGAGGAGGCAGGCGTCGAAGAGTACGGCCCTGAAGAAGAC-3'
Protein context (NP_000542.1, residues 1-18): MPRRAEN[Trp8Cys]DEAEVGAEEA

ClinVar aggregate classification (germline): Uncertain significance (1 of 4 stars; one submission).

Conditions:
Chuvash polycythemia. Also called: POLYCYTHEMIA, VHL-DEPENDENT. Identifiers: Orphanet 238557, MedGen C1837915, MONDO:0009892, OMIM 263400.
Von Hippel-Lindau syndrome (VHLS). Also called: von Hippel–Lindau syndrome; VHL syndrome; Von Hippel-Lindau. Identifiers: Orphanet 892, MedGen C0019562, MONDO:0008667, OMIM 193300. Disease mechanism: loss of function.

Submission:

Labcorp Genetics (formerly Invitae), Labcorp
Classification: Uncertain significance for Von Hippel-Lindau syndrome; Chuvash polycythemia. Last evaluated: 2025-02-04. Review status: criteria provided, single submitter. Criteria: Invitae Variant Classification Sherloc (09022015). Collection method: clinical testing. Allele origin: germline.
Comment: This sequence change replaces tryptophan, which is neutral and slightly polar, with cysteine, which is neutral and slightly polar, at codon 8 of the VHL protein (p.Trp8Cys). This variant is not present in population databases (gnomAD no frequency). This variant has not been reported in the literature in individuals affected with VHL-related conditions. Invitae Evidence Modeling of protein sequence and biophysical properties (such as structural, functional, and spatial information, amino acid conservation, physicochemical variation, residue mobility, and thermodynamic stability) indicates that this missense variant is not expected to disrupt VHL protein function with a negative predictive value of 95%. In summary, the available evidence is currently insufficient to determine the role of this variant in disease. Therefore, it has been classified as a Variant of Uncertain Significance.